The following is an entry in ClinVar:

ClinVar aggregate classification (germline): Benign. Review status: criteria provided, multiple submitters, no conflicts (2 of 4 stars). 3 submissions from 3 submitters: Benign (3). Last evaluated 2021-02-24.

Allele frequency attached by ClinVar (database versions not stated): 1000 Genomes Project 30x 0.69566; gnomAD 0.73370 and 0.74084.

Submissions (3):

GeneDx
Classification: Benign. Last evaluated: 2021-02-24. Review status: criteria provided, single submitter. Criteria: GeneDx Variant Classification Process June 2021. Collection method: clinical testing. Allele origin: germline. Affected: yes.
Comment: This variant is associated with the following publications: (PMID: 32149563)

Laboratory for Molecular Medicine, Mass General Brigham Personalized Medicine
Classification: Benign. Last evaluated: 2016-03-28. Review status: criteria provided, single submitter. Criteria: LMM Criteria. Collection method: clinical testing. Allele origin: germline.
Comment: Variant identified in a genome or exome case(s) and assessed due to predicted null impact of the variant or pathogenic assertions in the literature or databases. Disclaimer: This variant has not undergone full assessment. The following are preliminary notes: Frequency

Breakthrough Genomics
Classification: Benign. Review status: criteria provided, single submitter. Criteria: ACMG Guidelines, 2015. Collection method: not provided. Allele origin: germline. Inheritance: Unknown mechanism. Affected: yes.

NM_000773.4(CYP2E1):c.1263= (p.Phe421=)

Gene: CYP2E1 (cytochrome P450 family 2 subfamily E member 1; plus strand). Cytogenetic location: 10q26.3.
Variant type: single nucleotide variant.
Coding change: c.1263= on transcript NM_000773.4 (MANE Select); coding-DNA position 1263, no change from the reference sequence.
Protein change: p.Phe421=; no amino-acid change (phenylalanine 421 retained).
Molecular consequence: no sequence alteration.
Genome position: GRCh38 VCF-style: chr10-133537858-C-C. GRCh37 (hg19) VCF-style: chr10-135351362-T-C.
Identifiers: ClinVar variation 402582 (VCV000402582.6), dbSNP rs2515641.
Genomic context (GRCh38, chr10:133,537,858, plus strand): 5'-AGAATTTCCTGATCCAGAAAAGTTTAAGCCAGAACACTTCCTGAATGAAAATGGAAAGTT[C=]AAGTACAGTGACTATTTCAAGCCATTTTCCACAGGTGAGAAAGATCAGAGGCAGTACCTT-3'
Protein context (NP_000764.1, residues 411-431): PEHFLNENGK[Phe421=]KYSDYFKPFS